The following is an entry in ClinVar:

ClinVar aggregate classification (germline): Uncertain significance. Review status: reviewed by expert panel (3 of 4 stars). 3 submissions from 3 submitters: Uncertain significance (1). 2 of the submissions do not count toward it. Last evaluated 2023-10-23.

Conditions:
Mitochondrial disease. Also called: Mitochondrial disorder; Mitochondrial disorders. Identifiers: Orphanet 68380, MedGen C0751651, MeSH D028361, MONDO:0044970.
Leigh syndrome (NULS). Also called: Leigh's necrotizing encephalopathy; Leigh's disease; Leigh's syndrome; LEIGH SYNDROME, NUCLEAR; Leigh Disease; Leigh Syndrome (mtDNA deletion). Identifiers: Orphanet 506, MedGen C2931891, MONDO:0009723, OMIM 256000.
Leigh syndrome due to mitochondrial complex I deficiency. Identifiers: MedGen C1838951.

Submissions (3):

ClinGen Mitochondrial Disease Nuclear and Mitochondrial  Variant Curation Expert Panel, ClinGen
Classification: Uncertain significance for Mitochondrial disease. Last evaluated: 2023-10-23. Review status: reviewed by expert panel. Criteria: clingen mito disease acmg specifications v1-1. Collection method: curation. Allele origin: germline. Inheritance: Mitochondrial inheritance.
Comment: Complex I deficiency was noted in skin fibroblasts. The variant was present at >95% heteroplasmy in blood, muscle, and fibroblasts. This variant is absent in the MITOMAP GenBank dataset, gnomAD v3.1.2, and the Helix dataset (PM2_supporting, note the single occurrence in MITOMAP is likely from the reported patient). The computational predictor APOGEE suggests this variant is pathogenic (0.52, range 0-1; PP3). Cybrid studies supported the functional impact of this variant as mutant cybrids had reduced complex I activity and impaired complex I assembly (PS3_supporting; PMID: 16996290). In summary, this variant meets criteria to be classified as uncertain significance for primary mitochondrial disease inherited in a mitochondrial manner. This classification was approved by the NICHD/NINDS U24 ClinGen Mitochondrial Disease Variant Curation Expert Panel on October 23, 2023. Mitochondrial DNA-specific ACMG/AMP criteria applied (PMID: 32906214): PM2_supporting, PP3, PS3_supporting.

OMIM
Classification: Pathogenic for LEIGH SYNDROME DUE TO MITOCHONDRIAL COMPLEX I DEFICIENCY. Last evaluated: 2006-11-01. Review status: no assertion criteria provided. Collection method: literature only. Allele origin: germline. Not counted in ClinVar's aggregate classification.

GeneReviews
No classification provided. Condition: Leigh syndrome. Review status: no classification provided. Collection method: literature only. Allele origin: germline. Not counted in ClinVar's aggregate classification.

Literature cited by the submitters: PubMed 16996290 (cited by ClinGen Mitochondrial Disease Nuclear and Mitochondrial  Variant Curation Expert Panel, ClinGen); PubMed 16738010 (cited by OMIM); NCBI Bookshelf NBK1173 (cited by GeneReviews).

NC_012920.1(MT-ND2):m.4681T>C

Gene: MT-ND2 (mitochondrially encoded NADH dehydrogenase 2; plus strand).
Variant type: single nucleotide variant.
Genome position: chrM-4681-T-C.
Other names: L71P.
Identifiers: ClinVar variation 9721 (VCV000009721.8), dbSNP rs267606889, ClinGen allele CA120644.